The following is an entry in ClinVar:

ClinVar aggregate classification (germline): Uncertain significance. Review status: criteria provided, multiple submitters, no conflicts (2 of 4 stars). 2 submissions from 2 submitters: Uncertain significance (2). Last evaluated 2025-10-18.

gnomAD v4.1: 1 of 1,212,046 alleles (0.000083%); highest among the groups gnomAD compares: Admixed American, 0.0022%; no homozygotes.

Submissions (2):

Labcorp Genetics (formerly Invitae), Labcorp
Classification: Uncertain significance. Last evaluated: 2025-10-18. Review status: criteria provided, single submitter. Criteria: Invitae Variant Classification Sherloc (09022015). Collection method: clinical testing. Allele origin: germline.
Comment: This sequence change replaces threonine, which is neutral and polar, with alanine, which is neutral and non-polar, at codon 52 of the TLR7 protein (p.Thr52Ala). This variant is not present in population databases (gnomAD no frequency). This variant has not been reported in the literature in individuals affected with TLR7-related conditions. ClinVar contains an entry for this variant (Variation ID: 3457093). An algorithm developed to predict the effect of missense changes on protein structure and function (PolyPhen-2) suggests that this variant is likely to be disruptive. In summary, the available evidence is currently insufficient to determine the role of this variant in disease. Therefore, it has been classified as a Variant of Uncertain Significance.

Ambry Genetics
Classification: Uncertain significance. Last evaluated: 2024-09-02. Review status: criteria provided, single submitter. Criteria: Ambry Variant Classification Scheme 2023. Collection method: clinical testing. Allele origin: germline.

NM_016562.4(TLR7):c.154A>G (p.Thr52Ala)

Gene: TLR7 (toll like receptor 7; plus strand). Cytogenetic location: Xp22.2.
Variant type: single nucleotide variant.
Coding change: c.154A>G on transcript NM_016562.4 (MANE Select); coding-DNA position 154, A replaced by G.
Protein change: p.Thr52Ala; replaces threonine 52 with alanine.
Molecular consequence: missense variant.
Genome position (GRCh38, 1-based): chrX:12,885,662, A>G. VCF-style: chrX-12885662-A-G. GRCh37 (hg19) VCF-style: chrX-12903781-A-G.
Other names: short protein forms T52A.
Identifiers: ClinVar variation 3457093 (VCV003457093.2).